The following is an entry in ClinVar:

NM_002473.6(MYH9):c.2766C>G (p.Ala922=)

Genes: MYH9 (myosin heavy chain 9; minus strand), LOC126863137 (CDK7 strongly-dependent group 2 enhancer GRCh37_chr22:36696002-36697201; plus strand). Cytogenetic location: 22q12.3.
Variant type: single nucleotide variant.
Coding change: c.2766C>G on transcript NM_002473.6 (MANE Select); coding-DNA position 2766, C replaced by G.
Protein change: p.Ala922=; no amino-acid change (alanine 922 retained).
Molecular consequence: synonymous variant.
Genome position (GRCh38, 1-based): chr22:36,300,923, G>C on the plus strand (C>G on the coding strand, the complement: MYH9 is on the minus strand). VCF-style: chr22-36300923-G-C. GRCh37 (hg19) VCF-style: chr22-36696969-G-C.
Identifiers: ClinVar variation 164447 (VCV000164447.4), dbSNP rs727503288, ClinGen allele CA177114.

ClinVar aggregate classification (germline): Likely benign (1 of 4 stars; one submission).

Submission:

Laboratory for Molecular Medicine, Mass General Brigham Personalized Medicine
Classification: Likely benign. Last evaluated: 2013-11-06. Review status: criteria provided, single submitter. Criteria: LMM Criteria. Collection method: clinical testing. Allele origin: germline. Observed: 1 variant allele.
Comment: Ala922Ala in Exon 22 of MYH9: This variant is not expected to have clinical sign ificance because it does not alter an amino acid residue and it is not located w ithin the splice consensus sequence.